The following is an entry in ClinVar:

ClinVar aggregate classification (germline): Uncertain significance. Review status: criteria provided, multiple submitters, no conflicts (2 of 4 stars). 3 submissions from 3 submitters: Uncertain significance (3). Last evaluated 2025-09-09.

Conditions:
Dyskeratosis congenita, autosomal dominant 6 (DKCA6). Identifiers: Orphanet 3322, MedGen C4225284, MONDO:0014690, OMIM 616553.
Inborn genetic diseases. Identifiers: MedGen C0950123, MeSH D030342.

Allele frequency attached by ClinVar (database versions not stated): gnomAD 0.00001; TOPMed 0.00001.

Submissions (3):

Labcorp Genetics (formerly Invitae), Labcorp
Classification: Uncertain significance for Dyskeratosis congenita, autosomal dominant 6. Last evaluated: 2025-09-09. Review status: criteria provided, single submitter. Criteria: Invitae Variant Classification Sherloc (09022015). Collection method: clinical testing. Allele origin: germline.
Comment: This sequence change replaces leucine, which is neutral and non-polar, with valine, which is neutral and non-polar, at codon 326 of the ACD protein (p.Leu326Val). This variant is present in population databases (no rsID available, gnomAD 0.0009%). This variant has not been reported in the literature in individuals affected with ACD-related conditions. ClinVar contains an entry for this variant (Variation ID: 1768132). Invitae Evidence Modeling of protein sequence and biophysical properties (such as structural, functional, and spatial information, amino acid conservation, physicochemical variation, residue mobility, and thermodynamic stability) indicates that this missense variant is not expected to disrupt ACD protein function with a negative predictive value of 80%. In summary, the available evidence is currently insufficient to determine the role of this variant in disease. Therefore, it has been classified as a Variant of Uncertain Significance.

Ambry Genetics
Classification: Uncertain significance for Inborn genetic diseases. Last evaluated: 2023-10-26. Review status: criteria provided, single submitter. Criteria: Ambry Variant Classification Scheme 2023. Collection method: clinical testing. Allele origin: germline.
Comment: The p.L326V variant (also known as c.976C>G), located in coding exon 8 of the ACD gene, results from a C to G substitution at nucleotide position 976. The leucine at codon 326 is replaced by valine, an amino acid with highly similar properties. This amino acid position is conserved. In addition, this alteration is predicted to be tolerated by in silico analysis. Since supporting evidence is limited at this time, the clinical significance of this alteration remains unclear.

Blueprint Genetics
Classification: Uncertain significance. Last evaluated: 2021-06-28. Review status: criteria provided, single submitter. Criteria: ACMG Guidelines, 2015. Collection method: clinical testing. Allele origin: germline.

NM_001082486.2(ACD):c.718C>G (p.Leu240Val)

Gene: ACD (ACD shelterin complex subunit and telomerase recruitment factor; minus strand). Cytogenetic location: 16q22.1.
Variant type: single nucleotide variant.
Coding change: c.718C>G on transcript NM_001082486.2 (MANE Select); coding-DNA position 718, C replaced by G.
Protein change: p.Leu240Val; replaces leucine 240 with valine.
Molecular consequence: missense variant.
Genome position (GRCh38, 1-based): chr16:67,658,744, G>C on the plus strand (C>G on the coding strand, the complement: ACD is on the minus strand). VCF-style: chr16-67658744-G-C. GRCh37 (hg19) VCF-style: chr16-67692647-G-C.
Other names: c.718C>G, p.Leu240Val (NM_001410884.1); c.709C>G, p.Leu237Val (NM_022914.3); short protein forms L237V, L240V.
Identifiers: ClinVar variation 1768132 (VCV001768132.6), dbSNP rs1306566304, ClinGen allele CA396353493.
Genomic context (GRCh38, chr16:67,658,744, plus strand): 5'-CCCAGGTATCCCCCCAACCTCTCCAGTCCCCCTTACCCTGTGTCCTCTGACAGGGGCCTA[G>C]AGAGCTCAGAATTAGCTGGTCATTCTCAGAGATGCACAGCATTGAGCTGGGGACAGTGTA-3'
Protein context (NP_001075955.2, residues 230-250): SENDQLILSS[Leu240Val]GPCQRTQGPE